The following is an entry in ClinVar:

ClinVar aggregate classification (germline): Uncertain significance. Review status: criteria provided, multiple submitters, no conflicts (2 of 4 stars). 3 submissions from 3 submitters: Uncertain significance (3). Last evaluated 2025-05-14.

Conditions:
Fanconi anemia complementation group A (FANCA). Also called: FANCA-Related Fanconi Anemia; Fanconi anemia, group A. Identifiers: Orphanet 84, MedGen C3469521, MONDO:0009215, OMIM 227650.
Fanconi anemia (FA). Also called: Fanconi's anemia. Identifiers: Orphanet 84, MedGen C0015625, MeSH D005199, MONDO:0019391.

Submissions (3):

Quest Diagnostics Nichols Institute San Juan Capistrano
Classification: Uncertain significance. Last evaluated: 2025-05-14. Review status: criteria provided, single submitter. Criteria: Quest Diagnostics criteria. Collection method: clinical testing. Allele origin: unknown.
Comment: The FANCA c.2443C>T (p.Pro815Ser) variant has been reported in the published literature in an individual with a soft tissue sarcoma (PMID: 30541756 (2019)). This variant has not been reported in large, multi-ethnic general populations (Genome Aggregation Database). Analysis of this variant using bioinformatics tools for the prediction of the effect of amino acid changes on protein structure and function yielded conflicting predictions that this variant is benign or damaging. Based on the available information, we are unable to determine the clinical significance of this variant.

St. Jude Molecular Pathology, St. Jude Children's Research Hospital
Classification: Uncertain significance for Fanconi anemia complementation group A. Last evaluated: 2024-09-16. Review status: criteria provided, single submitter. Criteria: St. Jude Assertion Criteria 2020. Collection method: clinical testing. Allele origin: germline.
Comment: The FANCA c.2443C>T (p.Pro815Ser) missense change is absent in gnomAD v2.1.1. The in silico tool REVEL predicts a benign effect on protein function, but to our knowledge this prediction has not been confirmed by functional studies. To our knowledge, this variant has not been reported in individuals with Fanconi anemia. In summary, the evidence currently available is insufficient to determine the clinical significance of this variant. It has therefore been classified as of uncertain significance.

Labcorp Genetics (formerly Invitae), Labcorp
Classification: Uncertain significance for Fanconi anemia. Last evaluated: 2023-05-16. Review status: criteria provided, single submitter. Criteria: Invitae Variant Classification Sherloc (09022015). Collection method: clinical testing. Allele origin: germline.
Comment: This variant has not been reported in the literature in individuals affected with FANCA-related conditions. This variant is not present in population databases (gnomAD no frequency). This sequence change replaces proline, which is neutral and non-polar, with serine, which is neutral and polar, at codon 815 of the FANCA protein (p.Pro815Ser). Advanced modeling of protein sequence and biophysical properties (such as structural, functional, and spatial information, amino acid conservation, physicochemical variation, residue mobility, and thermodynamic stability) performed at Invitae indicates that this missense variant is not expected to disrupt FANCA protein function. In summary, the available evidence is currently insufficient to determine the role of this variant in disease. Therefore, it has been classified as a Variant of Uncertain Significance.

Literature cited by the submitters: PubMed 30541756 (cited by Quest Diagnostics Nichols Institute San Juan Capistrano).

NM_000135.4(FANCA):c.2443C>T (p.Pro815Ser)

Gene: FANCA (FA complementation group A; minus strand). Cytogenetic location: 16q24.3.
Variant type: single nucleotide variant.
Coding change: c.2443C>T on transcript NM_000135.4 (MANE Select); coding-DNA position 2443, C replaced by T.
Protein change: p.Pro815Ser; replaces proline 815 with serine.
Molecular consequence: missense variant.
Genome position (GRCh38, 1-based): chr16:89,769,898, G>A on the plus strand (C>T on the coding strand, the complement: FANCA is on the minus strand). VCF-style: chr16-89769898-G-A. GRCh37 (hg19) VCF-style: chr16-89836306-G-A.
Other names: c.2443C>T (NM_000135.3); c.2443C>T, p.Pro815Ser (NM_001286167.3); short protein forms P815S.
Identifiers: ClinVar variation 2908944 (VCV002908944.5), dbSNP rs2039263031, ClinGen allele CA397443378.